The following is an entry in ClinVar:

NM_001853.4(COL9A3):c.605G>T (p.Gly202Val)

Gene: COL9A3 (collagen type IX alpha 3 chain; plus strand). Cytogenetic location: 20q13.33.
Variant type: single nucleotide variant.
Coding change: c.605G>T on transcript NM_001853.4 (MANE Select); coding-DNA position 605, G replaced by T.
Protein change: p.Gly202Val; replaces glycine 202 with valine.
Molecular consequence: missense variant.
Genome position (GRCh38, 1-based): chr20:62,824,996, G>T. VCF-style: chr20-62824996-G-T. GRCh37 (hg19) VCF-style: chr20-61456348-G-T.
Other names: short protein forms G202V.
Identifiers: ClinVar variation 3663262 (VCV003663262.2).
Genomic context (GRCh38, chr20:62,824,996, plus strand): 5'-GGGTGGGGCAGTGACCCCACATTTGCTTGCAGGGACCCACTGGCTACAAAGGCGAGCAGG[G>T]GGAAGTCGGCAAGGACGGCGAGAAGGTGAAGCTGCCGCACAGCAGCTGGGGAGGAGCTGG-3'
Protein context (NP_001844.3, residues 192-212): KGPTGYKGEQ[Gly202Val]EVGKDGEKGD

ClinVar aggregate classification (germline): Uncertain significance (1 of 4 stars; one submission).

Submission:

Labcorp Genetics (formerly Invitae), Labcorp
Classification: Uncertain significance. Last evaluated: 2024-11-05. Review status: criteria provided, single submitter. Criteria: Invitae Variant Classification Sherloc (09022015). Collection method: clinical testing. Allele origin: germline.
Comment: This sequence change replaces glycine, which is neutral and non-polar, with valine, which is neutral and non-polar, at codon 202 of the COL9A3 protein (p.Gly202Val). This variant is not present in population databases (gnomAD no frequency). This variant has not been reported in the literature in individuals affected with COL9A3-related conditions. Invitae Evidence Modeling of protein sequence and biophysical properties (such as structural, functional, and spatial information, amino acid conservation, physicochemical variation, residue mobility, and thermodynamic stability) indicates that this missense variant is expected to disrupt COL9A3 protein function with a positive predictive value of 95%. In summary, the available evidence is currently insufficient to determine the role of this variant in disease. Therefore, it has been classified as a Variant of Uncertain Significance.